The following is an entry in ClinVar:

NM_001378615.1(CC2D2A):c.1425T>G (p.Asp475Glu)

Genes: CC2D2A (coiled-coil and C2 domain containing 2A; plus strand), FBXL5 (F-box and leucine rich repeat protein 5; minus strand). Cytogenetic location: 4p15.32.
Variant type: single nucleotide variant.
Coding change: c.1425T>G on transcript NM_001378615.1 (MANE Select); coding-DNA position 1425, T replaced by G.
Protein change: p.Asp475Glu; replaces aspartic acid 475 with glutamic acid.
Molecular consequence: missense variant.
Genome position (GRCh38, 1-based): chr4:15,528,685, T>G. VCF-style: chr4-15528685-T-G. GRCh37 (hg19) VCF-style: chr4-15530308-T-G.
Other names: c.1425T>G, p.Asp475Glu (NM_001080522.2); c.1278T>G, p.Asp426Glu (NM_001378617.1); short protein forms D426E, D475E.
Identifiers: ClinVar variation 4988132 (VCV004988132.1).

ClinVar aggregate classification (germline): Uncertain significance (1 of 4 stars; one submission).

Conditions:
CC2D2A-related disorder. Also called: CC2D2A-related condition; CC2D2A-related disorders. Identifiers: MedGen CN239313.

gnomAD v4.1: 8 of 1,613,392 alleles (0.0005%); highest among the groups gnomAD compares: Admixed American, 0.013%; no homozygotes.

Submission:

PreventionGenetics, part of Exact Sciences
Classification: Uncertain significance for CC2D2A-related condition. Last evaluated: 2026-04-24. Review status: criteria provided, single submitter. Criteria: ACMG Guidelines, 2015. Collection method: clinical testing. Allele origin: germline.
Comment: The CC2D2A c.1425T>G variant is predicted to result in the amino acid substitution p.Asp475Glu. To our knowledge, this variant has not been reported in the literature. This variant is reported in 0.020% of alleles in individuals of Latino descent in gnomAD. At this time, the clinical significance of this variant is uncertain due to the absence of conclusive functional and genetic evidence.